The following is an entry in ClinVar:

NM_001330078.2(NRXN1):c.3411T>A (p.Tyr1137Ter)

Gene: NRXN1 (neurexin 1; minus strand). Cytogenetic location: 2p16.3.
Variant type: single nucleotide variant.
Coding change: c.3411T>A on transcript NM_001330078.2 (MANE Select); coding-DNA position 3411, T replaced by A.
Protein change: p.Tyr1137Ter; replaces tyrosine 1137 with a stop codon.
Molecular consequence: nonsense.
Genome position (GRCh38, 1-based): chr2:50,236,924, A>T on the plus strand (T>A on the coding strand, the complement: NRXN1 is on the minus strand). VCF-style: chr2-50236924-A-T. GRCh37 (hg19) VCF-style: chr2-50464062-A-T.
Other names: c.3531T>A, p.Tyr1177Ter (NM_001135659.3); c.3387T>A, p.Tyr1129Ter (NM_001330077.2, NM_001330082.2); c.3384T>A, p.Tyr1128Ter (NM_001330085.2); c.3411T>A, p.Tyr1137Ter (NM_001330086.2, NM_004801.6); c.3345T>A, p.Tyr1115Ter (NM_001330083.2, NM_001330084.2); c.3300T>A, p.Tyr1100Ter (NM_001330087.2, NM_001330096.2); c.3330T>A, p.Tyr1110Ter (NM_001330088.2); c.306T>A, p.Tyr102Ter (NM_001330091.2, NM_001330092.2, NM_001330097.2 and 1 more transcripts); and 3 more; short protein forms Y1115*, Y1129*, Y1100*, Y1110*, Y1120*, Y1136*, Y1128*, Y1133*.
Identifiers: ClinVar variation 2707837 (VCV002707837.3), dbSNP rs2465541308, ClinGen allele CA346821057.

ClinVar aggregate classification (germline): Pathogenic (1 of 4 stars; one submission).

Conditions:
Pitt-Hopkins-like syndrome 2 (PTHSL2). Identifiers: Orphanet 221150, Orphanet 600663, MedGen C3280479, MONDO:0013690, OMIM 614325.

Submission:

Labcorp Genetics (formerly Invitae), Labcorp
Classification: Pathogenic for Pitt-Hopkins-like syndrome 2. Last evaluated: 2024-07-26. Review status: criteria provided, single submitter. Criteria: Invitae Variant Classification Sherloc (09022015). Collection method: clinical testing. Allele origin: germline.
Comment: This sequence change creates a premature translational stop signal (p.Tyr1177*) in the NRXN1 gene. It is expected to result in an absent or disrupted protein product. Loss-of-function variants in NRXN1 are known to be pathogenic (PMID: 19896112, 21964664, 23495017, 23533028, 25149956, 30031152). This variant is not present in population databases (gnomAD no frequency). This variant has not been reported in the literature in individuals affected with NRXN1-related conditions. For these reasons, this variant has been classified as Pathogenic.

Literature cited by the submitters: PubMed 19896112; PubMed 21964664; PubMed 23495017; PubMed 23533028; PubMed 25149956; PubMed 30031152.